The following is an entry in ClinVar:

NM_020831.6(MRTFA):c.2336C>T (p.Pro779Leu)

Gene: MRTFA (myocardin related transcription factor A; minus strand). Cytogenetic location: 22q13.1.
Variant type: single nucleotide variant.
Coding change: c.2336C>T on transcript NM_020831.6 (MANE Select); coding-DNA position 2336, C replaced by T.
Protein change: p.Pro779Leu; replaces proline 779 with leucine.
Molecular consequence: missense variant.
Genome position (GRCh38, 1-based): chr22:40,418,402, G>A on the plus strand (C>T on the coding strand, the complement: MRTFA is on the minus strand). VCF-style: chr22-40418402-G-A. GRCh37 (hg19) VCF-style: chr22-40814406-G-A.
Other names: c.2036C>T (NM_020831.3); c.2036C>T, p.Pro679Leu (NM_001282660.2); c.2186C>T, p.Pro729Leu (NM_001282661.3); c.2336C>T, p.Pro779Leu (NM_001282662.3); c.2141C>T, p.Pro714Leu (NM_001318139.2); short protein forms P679L, P714L, P729L, P779L.
Identifiers: ClinVar variation 1682965 (VCV001682965.9), dbSNP rs763046591, ClinGen allele CA10249367.

ClinVar aggregate classification (germline): Uncertain significance. Review status: criteria provided, multiple submitters, no conflicts (2 of 4 stars). 2 submissions from 2 submitters: Uncertain significance (2). Last evaluated 2025-08-07.

Allele frequency attached by ClinVar (database versions not stated): ExAC 0.00001; gnomAD 0.00001; TOPMed 0.00002; gnomAD exomes 0.00003.
gnomAD v4.1: 28 of 1,613,956 alleles (0.0017%); highest among the groups gnomAD compares: Non-Finnish European, 0.0023%; no homozygotes.

Submissions (2):

Ambry Genetics
Classification: Uncertain significance. Last evaluated: 2025-08-07. Review status: criteria provided, single submitter. Criteria: Ambry Variant Classification Scheme 2023. Collection method: clinical testing. Allele origin: germline.

Labcorp Genetics (formerly Invitae), Labcorp
Classification: Uncertain significance. Last evaluated: 2022-08-29. Review status: criteria provided, single submitter. Criteria: Invitae Variant Classification Sherloc (09022015). Collection method: clinical testing. Allele origin: germline.
Comment: This sequence change replaces proline, which is neutral and non-polar, with leucine, which is neutral and non-polar, at codon 679 of the MKL1 protein (p.Pro679Leu). This variant is present in population databases (rs763046591, gnomAD 0.004%). This variant has not been reported in the literature in individuals affected with MKL1-related conditions. ClinVar contains an entry for this variant (Variation ID: 1682965). Algorithms developed to predict the effect of missense changes on protein structure and function are either unavailable or do not agree on the potential impact of this missense change (SIFT: "Deleterious"; PolyPhen-2: "Benign"; Align-GVGD: "Class C0"). In summary, the available evidence is currently insufficient to determine the role of this variant in disease. Therefore, it has been classified as a Variant of Uncertain Significance.